The following is an entry in ClinVar:

ClinVar aggregate classification (germline): Uncertain significance (1 of 4 stars; one submission).

Conditions:
Osteogenesis imperfecta type I (OI1). Also called: OI, TYPE I; OSTEOGENESIS IMPERFECTA TARDA; OSTEOGENESIS IMPERFECTA WITH BLUE SCLERAE; Osteogenesis imperfecta type 1; Lobstein's Disease; Lobstein disease. Identifiers: Orphanet 216796, Orphanet 666, MedGen C0023931, MONDO:0008146, OMIM 166200. Disease mechanism: loss of function.
Ehlers-Danlos syndrome, classic type, 1 (EDSCL1). Also called: EHLERS-DANLOS SYNDROME, GRAVIS TYPE; EHLERS-DANLOS SYNDROME, SEVERE CLASSIC TYPE; Ehlers-Danlos syndrome, type 1; EDS I; Ehlers-Danlos Syndrome, Classic Type, COL5A1-Related. Identifiers: MedGen C0268335, MONDO:0019567, OMIM 130000.

Submission:

Labcorp Genetics (formerly Invitae), Labcorp
Classification: Uncertain significance for Osteogenesis imperfecta type I; Ehlers-Danlos syndrome, classic type, 1. Last evaluated: 2021-03-08. Review status: criteria provided, single submitter. Criteria: Invitae Variant Classification Sherloc (09022015). Collection method: clinical testing. Allele origin: germline.
Comment: This sequence change replaces alanine with proline at codon 1206 of the COL1A2 protein (p.Ala1206Pro). The alanine residue is highly conserved and there is a small physicochemical difference between alanine and proline. This variant is not present in population databases (ExAC no frequency). This variant has not been reported in the literature in individuals with COL1A2-related conditions. Advanced modeling of protein sequence and biophysical properties (such as structural, functional, and spatial information, amino acid conservation, physicochemical variation, residue mobility, and thermodynamic stability) performed at Invitae indicates that this missense variant is not expected to disrupt COL1A2 protein function. In summary, the available evidence is currently insufficient to determine the role of this variant in disease. Therefore, it has been classified as a Variant of Uncertain Significance.

NM_000089.4(COL1A2):c.3616G>C (p.Ala1206Pro)

Gene: COL1A2 (collagen type I alpha 2 chain; plus strand). Cytogenetic location: 7q21.3.
Variant type: single nucleotide variant.
Coding change: c.3616G>C on transcript NM_000089.4 (MANE Select); coding-DNA position 3616, G replaced by C.
Protein change: p.Ala1206Pro; replaces alanine 1206 with proline.
Molecular consequence: missense variant.
Genome position (GRCh38, 1-based): chr7:94,428,382, G>C. VCF-style: chr7-94428382-G-C. GRCh37 (hg19) VCF-style: chr7-94057694-G-C.
Other names: short protein forms A1206P.
Identifiers: ClinVar variation 1347862 (VCV001347862.8), dbSNP rs200492800, ClinGen allele CA368226361.
Genomic context (GRCh38, chr7:94,428,382, plus strand): 5'-TGCACTATGGATGCTATCAAAGTATACTGTGATTTCTCTACTGGCGAAACCTGTATCCGG[G>C]CCCAACCTGAAAACATCCCAGCCAAGAACTGGTATAGGAGCTCCAAGGACAAGAAACACG-3'
Protein context (NP_000080.2, residues 1196-1216): DFSTGETCIR[Ala1206Pro]QPENIPAKNW